The following is an entry in ClinVar:

NM_001103.4(ACTN2):c.2277A>T (p.Arg759Ser)

Gene: ACTN2 (actinin alpha 2; plus strand). Cytogenetic location: 1q43.
Variant type: single nucleotide variant.
Coding change: c.2277A>T on transcript NM_001103.4 (MANE Select); coding-DNA position 2277, A replaced by T.
Protein change: p.Arg759Ser; replaces arginine 759 with serine.
Molecular consequence: missense variant. On other transcripts: non-coding transcript variant (1).
Genome position (GRCh38, 1-based): chr1:236,757,608, A>T. VCF-style: chr1-236757608-A-T. GRCh37 (hg19) VCF-style: chr1-236920908-A-T.
Other names: c.2277A>T, p.Arg759Ser (NM_001278343.2); short protein forms R759S.
Identifiers: ClinVar variation 4221833 (VCV004221833.1).

ClinVar aggregate classification (germline): Uncertain significance (1 of 4 stars; one submission).

Conditions:
Cardiovascular phenotype. Identifiers: MedGen CN230736.

gnomAD v4.1: 1 of 1,614,096 alleles (0.000062%); highest among the groups gnomAD compares: African/African-American, 0.0013%; no homozygotes.

Submission:

Ambry Genetics
Classification: Uncertain significance for Cardiovascular phenotype. Last evaluated: 2025-06-22. Review status: criteria provided, single submitter. Criteria: Ambry Variant Classification Scheme 2023. Collection method: clinical testing. Allele origin: germline.
Comment: The p.R759S variant (also known as c.2277A>T), located in coding exon 18 of the ACTN2 gene, results from an A to T substitution at nucleotide position 2277. The arginine at codon 759 is replaced by serine, an amino acid with dissimilar properties. This amino acid position is conserved. In addition, this alteration is predicted to be deleterious by in silico analysis. Based on the available evidence, the clinical significance of this variant remains unclear.